The following is an entry in ClinVar:

ClinVar aggregate classification (germline): Uncertain significance. Review status: criteria provided, multiple submitters, no conflicts (2 of 4 stars). 4 submissions from 4 submitters: Uncertain significance (4). Last evaluated 2026-09-22.

Conditions:
PROM1-related disorder. Also called: PROM1-related disorders; PROM1-related condition.
Inborn genetic diseases. Identifiers: MedGen C0950123, MeSH D030342.

Allele frequency attached by ClinVar (database versions not stated): TOPMed 0.00006; gnomAD 0.00007 and 0.00006; ESP Exome Variant Server 0.00008; ExAC 0.00009; gnomAD exomes 0.00009 and 0.00005.
gnomAD v4.1: 79 of 1,613,176 alleles (0.0049%); highest among the groups gnomAD compares: Middle Eastern, 0.018%; no homozygotes.

Submissions (4):

PreventionGenetics, part of Exact Sciences
Classification: Uncertain significance for PROM1-related condition. Last evaluated: 2026-09-22. Review status: criteria provided, single submitter. Criteria: ACMG Guidelines, 2015. Collection method: clinical testing. Allele origin: germline.
Comment: The PROM1 c.848A>G variant is predicted to result in the amino acid substitution p.Gln283Arg. To our knowledge, this variant has not been reported in the literature. This variant is present in 0.016% of alleles in individuals of European (Non-Finnish) descent in gnomAD. At this time, the clinical significance of this variant is uncertain due to the absence of conclusive functional and genetic evidence.

Labcorp Genetics (formerly Invitae), Labcorp
Classification: Uncertain significance. Last evaluated: 2025-08-17. Review status: criteria provided, single submitter. Criteria: Invitae Variant Classification Sherloc (09022015). Collection method: clinical testing. Allele origin: germline.
Comment: This sequence change replaces glutamine, which is neutral and polar, with arginine, which is basic and polar, at codon 283 of the PROM1 protein (p.Gln283Arg). This variant is present in population databases (rs371887194, gnomAD 0.01%). This variant has not been reported in the literature in individuals affected with PROM1-related conditions. ClinVar contains an entry for this variant (Variation ID: 1415051). Invitae Evidence Modeling of protein sequence and biophysical properties (such as structural, functional, and spatial information, amino acid conservation, physicochemical variation, residue mobility, and thermodynamic stability) indicates that this missense variant is not expected to disrupt PROM1 protein function with a negative predictive value of 80%. In summary, the available evidence is currently insufficient to determine the role of this variant in disease. Therefore, it has been classified as a Variant of Uncertain Significance.

Blueprint Genetics
Classification: Uncertain significance. Last evaluated: 2024-10-04. Review status: criteria provided, single submitter. Criteria: ACMG Guidelines, 2015. Collection method: clinical testing. Allele origin: germline.

Ambry Genetics
Classification: Uncertain significance for Inborn genetic diseases. Last evaluated: 2024-01-16. Review status: criteria provided, single submitter. Criteria: Ambry Variant Classification Scheme 2023. Collection method: clinical testing. Allele origin: germline.

NM_006017.3(PROM1):c.848A>G (p.Gln283Arg)

Gene: PROM1 (prominin 1; minus strand). Cytogenetic location: 4p15.32.
Variant type: single nucleotide variant.
Coding change: c.848A>G on transcript NM_006017.3 (MANE Select); coding-DNA position 848, A replaced by G.
Protein change: p.Gln283Arg; replaces glutamine 283 with arginine.
Molecular consequence: missense variant.
Genome position (GRCh38, 1-based): chr4:16,018,477, T>C on the plus strand (A>G on the coding strand, the complement: PROM1 is on the minus strand). VCF-style: chr4-16018477-T-C. GRCh37 (hg19) VCF-style: chr4-16020100-T-C.
Other names: c.848A>G (NM_006017.2); c.821A>G, p.Gln274Arg (NM_001145847.2, NM_001145848.2, NM_001145851.2 and 4 more transcripts); c.848A>G, p.Gln283Arg (NM_001145849.2, NM_001145850.2); short protein forms Q274R, Q283R.
Identifiers: ClinVar variation 1415051 (VCV001415051.9), dbSNP rs371887194, ClinGen allele CA2866934.